The following is an entry in ClinVar:

ClinVar aggregate classification (germline): Likely pathogenic. Review status: reviewed by expert panel (3 of 4 stars). 3 submissions from 3 submitters: Likely pathogenic (1). 2 of the submissions do not count toward it. Last evaluated 2026-01-20.

Conditions:
Bernard Soulier syndrome (BSS). Also called: BLEEDING DISORDER, PLATELET-TYPE, 1; GLYCOPROTEIN Ib, PLATELET, DEFICIENCY OF; PLATELET GLYCOPROTEIN Ib DEFICIENCY; VON WILLEBRAND FACTOR RECEPTOR DEFICIENCY; Giant platelet syndrome; Hemorrhagiparous thrombocytic dystrophy. Identifiers: Orphanet 274, MedGen C0005129, MeSH D001606, MONDO:0009276, OMIM 231200.

Submissions (3):

ClinGen Platelet Disorders Variant Curation Expert Panel, ClinGen
Classification: Likely pathogenic for Bernard Soulier syndrome. Last evaluated: 2026-01-20. Review status: reviewed by expert panel. Criteria: ClinGen Platelet ACMG Specifications GP9 V1.0.0. Collection method: curation. Allele origin: germline. Inheritance: Autosomal recessive inheritance.
Comment: The c.284A>G variant in GP9 is a missense variant predicted to cause substitution of Tyrosine by Cysteine at amino acid 95 (p.Tyr95Cys). At least one patient (Patient P12 in PMID: 21173099) with this variant had aggregation absent for ristocetin and present for all other agonists as well as less than 10% expression of GPIba and GP9 as measured by flow cytometry, which is highly specific for Bernard-Soulier syndrome. Additionally, the patient had excessive mucocutaneous bleeding which is consistent with Bernard-Soulier syndrome (PP4). This variant has been detected in at least two probands with Bernard-Soulier syndrome (PMIDs: 21173099, 32202057 and 29043243). Both probands were homozygous for the variant (1 PM3 point, PM3). The computational predictor REVEL gives a score of 0.814, which is above the ClinGen PD VCEP threshold of ≥0.773 and predicts a damaging effect on function (PP3_Moderate). This variant is absent from gnomAD v4.1.0 (PM2_Supporting). In summary, this variant meets the criteria to be classified as likely pathogenic for autosomal recessive Bernard-Soulier syndrome based on the ACMG/AMP criteria applied, as specified by the ClinGen PD VCEP: PP4, PM3, PM2_Supporting and PP3_Moderate (VCEP specifications version 1).

Institute for Clinical Chemistry and Laboratory Medicine, University Medical Center Mainz
Classification: Pathogenic for Bernard Soulier syndrome. Last evaluated: 2023-09-04. Review status: criteria provided, single submitter. Criteria: ACMG Guidelines, 2015. Collection method: clinical testing. Allele origin: germline. Inheritance: Autosomal recessive inheritance. Affected: no and yes. Observed: 2 variant alleles, 2 heterozygotes, 1 homozygote. Clinical features observed: Impaired ristocetin-induced platelet aggregation (HP:0011871), Abnormal bleeding (HP:0001892), Giant platelets (HP:0001902), Thrombocytopenia (HP:0001873). Not counted in ClinVar's aggregate classification.
Comment: GP9 c.284A>G can be found in dbSNP with a MAF <0.01% (rs1946583076) and prediction tools predict pathogenicity. GP9 is known to cause BSS and this exact variant was also identified as the cause of BSS in homozygosity in an unrelated case by Savoia et al (PMID: 21173099). Therfore, we classified this variant as pathogenic.

Women's Health and Genetics/Laboratory Corporation of America, LabCorp
Classification: Uncertain significance. Last evaluated: 2023-04-24. Review status: criteria provided, single submitter. Criteria: LabCorp Variant Classification Summary - May 2015. Collection method: clinical testing. Allele origin: germline. Not counted in ClinVar's aggregate classification.
Comment: Variant summary: GP9 c.284A>G (p.Tyr95Cys) results in a non-conservative amino acid change to a highly conserved residue (HGMD) located in the Cysteine-rich flanking region, C-terminal (IPR000483) of the encoded protein sequence. Another missense variant affecting this residue has been found in association with disease (HGMD). Five of five in-silico tools predict a damaging effect of the variant on protein function. The variant was absent in 244960 control chromosomes (gnomAD). c.284A>G has been reported in the literature in an individual affected with Bernard Soulier Syndrome (Savoia_2011). These data indicate that the variant may be associated with disease. To our knowledge, no experimental evidence demonstrating an impact on protein function has been reported. No submitters have provided clinical-significance assessments for this variant to ClinVar after 2014. Based on the evidence outlined above, the variant was classified as VUS-possibly pathogenic.

Literature cited by the submitters: PubMed 32202057 (cited by Institute for Clinical Chemistry and Laboratory Medicine, University Medical Center Mainz); PubMed 29043243 (cited by Institute for Clinical Chemistry and Laboratory Medicine, University Medical Center Mainz); PubMed 21173099 (cited by Women's Health and Genetics/Laboratory Corporation of America, LabCorp).

NM_000174.5(GP9):c.284A>G (p.Tyr95Cys)

Gene: GP9 (glycoprotein IX platelet; plus strand). Cytogenetic location: 3q21.3.
Variant type: single nucleotide variant.
Coding change: c.284A>G on transcript NM_000174.5 (MANE Select); coding-DNA position 284, A replaced by G.
Protein change: p.Tyr95Cys; replaces tyrosine 95 with cysteine.
Molecular consequence: missense variant.
Genome position (GRCh38, 1-based): chr3:129,062,023, A>G. VCF-style: chr3-129062023-A-G. GRCh37 (hg19) VCF-style: chr3-128780866-A-G.
Other names: NM_000174.5(GP9):c.284A>G; p.Tyr95Cys; short protein forms Y95C.
Identifiers: ClinVar variation 2503896 (VCV002503896.4), dbSNP rs1946583076, ClinGen allele CA354447931.